The following is an entry in ClinVar:

ClinVar aggregate classification (germline): Uncertain significance. Review status: criteria provided, multiple submitters, no conflicts (2 of 4 stars). 2 submissions from 2 submitters: Uncertain significance (2). Last evaluated 2017-07-31.

Conditions:
Atrial septal defect 5 (ASD5). Identifiers: Orphanet 1478, MedGen C2748552, MONDO:0013011, OMIM 612794.
Dilated cardiomyopathy 1R (CMD1R). Identifiers: Orphanet 154, Orphanet 54260, MedGen C3150681, MONDO:0013261, OMIM 613424.
Hypertrophic cardiomyopathy 11. Also called: ACTC1-Related Familial Hypertrophic Cardiomyopathy. Identifiers: MedGen C2677506, MONDO:0012799, OMIM 612098.

Submissions (2):

Labcorp Genetics (formerly Invitae), Labcorp
Classification: Uncertain significance for Dilated cardiomyopathy 1R; Hypertrophic cardiomyopathy 11; Atrial septal defect 5. Last evaluated: 2017-07-31. Review status: criteria provided, single submitter. Criteria: Invitae Variant Classification Sherloc (09022015). Collection method: clinical testing. Allele origin: germline.
Comment: This sequence change replaces lysine with arginine at codon 63 of the ACTC1 protein (p.Lys63Arg). The lysine residue is highly conserved and there is a small physicochemical difference between lysine and arginine. This variant is not present in population databases (ExAC no frequency). This variant has not been reported in the literature in individuals with ACTC1-related disease. ClinVar contains an entry for this variant (Variation ID: 196406). Algorithms developed to predict the effect of missense changes on protein structure and function do not agree on the potential impact of this missense change (SIFT: "Deleterious"; PolyPhen-2: "Benign"; Align-GVGD: "Class C25"). In summary, the available evidence is currently insufficient to determine the role of this variant in disease. Therefore, it has been classified as a Variant of Uncertain Significance.

Eurofins Ntd Llc (ga)
Classification: Uncertain significance. Last evaluated: 2015-02-19. Review status: criteria provided, single submitter. Criteria: EGL Classification Definitions 2015. Collection method: clinical testing. Allele origin: germline. Observed: 1 variant allele, 1 heterozygote.

NM_005159.5(ACTC1):c.188A>G (p.Lys63Arg)

Genes: GJD2-DT (GJD2 divergent transcript; plus strand), ACTC1 (actin alpha cardiac muscle 1; minus strand). Cytogenetic location: 15q14.
Variant type: single nucleotide variant.
Coding change: c.188A>G on transcript NM_005159.5 (MANE Select); coding-DNA position 188, A replaced by G.
Protein change: p.Lys63Arg; replaces lysine 63 with arginine.
Molecular consequence: missense variant.
Genome position (GRCh38, 1-based): chr15:34,793,511, T>C on the plus strand (A>G on the coding strand, the complement: ACTC1 is on the minus strand). VCF-style: chr15-34793511-T-C. GRCh37 (hg19) VCF-style: chr15-35085712-T-C.
Other names: c.188A>G (LRG_388t1); short protein forms K63R.
Identifiers: ClinVar variation 196406 (VCV000196406.5), dbSNP rs794727502, ClinGen allele CA019679.